The following is an entry in ClinVar:

ClinVar aggregate classification (germline): Uncertain significance. Review status: criteria provided, multiple submitters, no conflicts (2 of 4 stars). 2 submissions from 2 submitters: Uncertain significance (2). Last evaluated 2025-08-08.

Conditions:
Spastic paraplegia. Identifiers: MedGen C0037772, HP:0001258.

Allele frequency attached by ClinVar (database versions not stated): TOPMed 0.00025; 1000 Genomes Project 30x 0.00047; gnomAD 0.00009; 1000 Genomes Project 0.00040; ExAC 0.00005.
gnomAD v4.1: 43 of 1,614,214 alleles (0.0027%); highest among the groups gnomAD compares: Admixed American, 0.038%; no homozygotes.

Submissions (2):

GeneDx
Classification: Uncertain significance. Last evaluated: 2025-08-08. Review status: criteria provided, single submitter. Criteria: GeneDx Variant Classification Process June 2021. Collection method: clinical testing. Allele origin: germline. Affected: yes.
Comment: In silico analysis suggests that this missense variant does not alter protein structure/function; Has not been previously published as pathogenic or benign to our knowledge

Labcorp Genetics (formerly Invitae), Labcorp
Classification: Uncertain significance for Spastic paraplegia. Last evaluated: 2025-07-28. Review status: criteria provided, single submitter. Criteria: Invitae Variant Classification Sherloc (09022015). Collection method: clinical testing. Allele origin: germline.
Comment: This sequence change replaces valine, which is neutral and non-polar, with methionine, which is neutral and non-polar, at codon 1698 of the ZFYVE26 protein (p.Val1698Met). This variant is present in population databases (rs201116085, gnomAD 0.02%). This variant has not been reported in the literature in individuals affected with ZFYVE26-related conditions. ClinVar contains an entry for this variant (Variation ID: 2152063). An algorithm developed to predict the effect of missense changes on protein structure and function (PolyPhen-2) suggests that this variant is likely to be disruptive. In summary, the available evidence is currently insufficient to determine the role of this variant in disease. Therefore, it has been classified as a Variant of Uncertain Significance.

NM_015346.4(ZFYVE26):c.5092G>A (p.Val1698Met)

Gene: ZFYVE26 (zinc finger FYVE-type containing 26; minus strand). Cytogenetic location: 14q24.1.
Variant type: single nucleotide variant.
Coding change: c.5092G>A on transcript NM_015346.4 (MANE Select); coding-DNA position 5092, G replaced by A.
Protein change: p.Val1698Met; replaces valine 1698 with methionine.
Molecular consequence: missense variant.
Genome position (GRCh38, 1-based): chr14:67,775,989, C>T on the plus strand (G>A on the coding strand, the complement: ZFYVE26 is on the minus strand). VCF-style: chr14-67775989-C-T. GRCh37 (hg19) VCF-style: chr14-68242706-C-T.
Other names: c.5092G>A (NM_015346.3); short protein forms V1698M.
Identifiers: ClinVar variation 2152063 (VCV002152063.3), dbSNP rs201116085, ClinGen allele CA7239591.